The following is an entry in ClinVar:

ClinVar aggregate classification (germline): Likely benign (1 of 4 stars; one submission).

Conditions:
RNASEH1-related disorder. Also called: RNASEH1-related condition.

gnomAD v4.1: 32 of 1,602,856 alleles (0.002%); highest among the groups gnomAD compares: Non-Finnish European, 0.0026%; no homozygotes.

Submission:

PreventionGenetics, part of Exact Sciences
Classification: Likely benign for RNASEH1-related condition. Last evaluated: 2026-01-21. Review status: criteria provided, single submitter. Criteria: ACMG Guidelines, 2015. Collection method: clinical testing. Allele origin: germline.
Comment: This variant is classified as likely benign based on ACMG/AMP sequence variant interpretation guidelines (Richards et al. 2015 PMID: 25741868, with internal and published modifications).

NM_002936.6(RNASEH1):c.*10C>T

Gene: RNASEH1 (ribonuclease H1; minus strand). Cytogenetic location: 2p25.3.
Variant type: single nucleotide variant.
Coding change: c.*10C>T on transcript NM_002936.6 (MANE Select); 10 bases downstream of the stop codon, C replaced by T.
Molecular consequence: 3 prime UTR variant. On other transcripts: non-coding transcript variant (7).
Genome position (GRCh38, 1-based): chr2:3,545,775, G>A on the plus strand (C>T on the coding strand, the complement: RNASEH1 is on the minus strand). VCF-style: chr2-3545775-G-A. GRCh37 (hg19) VCF-style: chr2-3593365-G-A.
Other names: c.*10C>T (NM_001286834.3, NM_001286837.3, NM_001378272.1 and 1 more transcripts); c.*66C>T (NM_001378271.1).
Identifiers: ClinVar variation 4989230 (VCV004989230.1).